The following is an entry in ClinVar:

NM_002691.4(POLD1):c.2954G>C (p.Arg985Pro)

Gene: POLD1 (DNA polymerase delta 1, catalytic subunit; plus strand). Cytogenetic location: 19q13.33.
Variant type: single nucleotide variant.
Coding change: c.2954G>C on transcript NM_002691.4 (MANE Select); coding-DNA position 2954, G replaced by C.
Protein change: p.Arg985Pro; replaces arginine 985 with proline.
Molecular consequence: missense variant. On other transcripts: non-coding transcript variant (1).
Genome position (GRCh38, 1-based): chr19:50,416,610, G>C. VCF-style: chr19-50416610-G-C. GRCh37 (hg19) VCF-style: chr19-50919867-G-C.
Other names: c.2954G>C, p.Arg985Pro (NM_001256849.1); c.3032G>C, p.Arg1011Pro (NM_001308632.1); short protein forms R985P, R1011P.
Identifiers: ClinVar variation 408108 (VCV000408108.37), dbSNP rs749159160, ClinGen allele CA16616179.

ClinVar aggregate classification (germline): Uncertain significance. Review status: criteria provided, multiple submitters, no conflicts (2 of 4 stars). 10 submissions from 10 submitters: Uncertain significance (10). Last evaluated 2026-08-06.

Conditions:
Hereditary cancer-predisposing syndrome. Also called: Neoplastic Syndromes, Hereditary; Hereditary neoplastic syndrome; Hereditary Cancer Syndrome; Tumor predisposition. Identifiers: Orphanet 140162, MedGen C0027672, MeSH D009386, MONDO:0015356.
POLD1-related polyposis and colorectal cancer syndrome (CRCS10). Also called: Colorectal cancer, susceptibility to, 10; Colorectal cancer 10; COLORECTAL CANCER, SUSCEPTIBILITY TO, ON CHROMOSOME 19q. Identifiers: Orphanet 220460, MedGen C2675481, MONDO:0012953, OMIM 612591.

Allele frequency attached by ClinVar (database versions not stated): TOPMed 0.00002; gnomAD 0.00003.

Submissions (10):

OLLIN Analises Genomicas, OLLIN
Classification: Uncertain significance for POLD1-related polyposis and colorectal cancer syndrome. Last evaluated: 2026-08-06. Review status: criteria provided, single submitter. Criteria: ACMG Guidelines 2015 PMID 25741868. Collection method: clinical testing. Allele origin: germline. Inheritance: Autosomal recessive inheritance.
Comment: This missense variant, located in exon 24 (of 27), has been reported in ClinVar (accession VCV000408002.14) and in gnomAD with an allele frequency of 0.0015%. However, to our knowledge, it has not been reported in the scientific literature. In silico analysis predicts that this variant has a tolerated effect. According to the currently available evidence, this variant has been classified as uncertain significance (BP4).

Center for Genomic Medicine, Rigshospitalet, Copenhagen University Hospital
Classification: Uncertain significance. Last evaluated: 2025-12-29. Review status: criteria provided, single submitter. Criteria: ACMG Guidelines, 2015. Collection method: clinical testing. Allele origin: germline.

Labcorp Genetics (formerly Invitae), Labcorp
Classification: Uncertain significance for POLD1-related polyposis and colorectal cancer syndrome. Last evaluated: 2025-12-22. Review status: criteria provided, single submitter. Criteria: Invitae Variant Classification Sherloc (09022015). Collection method: clinical testing. Allele origin: germline.
Comment: This sequence change replaces arginine, which is basic and polar, with proline, which is neutral and non-polar, at codon 985 of the POLD1 protein (p.Arg985Pro). This variant is present in population databases (no rsID available, gnomAD no frequency). This variant has not been reported in the literature in individuals affected with POLD1-related conditions. ClinVar contains an entry for this variant (Variation ID: 408108). An algorithm developed to predict the effect of missense changes on protein structure and function (PolyPhen-2) suggests that this variant is likely to be disruptive. In summary, the available evidence is currently insufficient to determine the role of this variant in disease. Therefore, it has been classified as a Variant of Uncertain Significance.

Ambry Genetics
Classification: Uncertain significance for Hereditary cancer-predisposing syndrome. Last evaluated: 2025-04-29. Review status: criteria provided, single submitter. Criteria: Ambry Variant Classification Scheme 2023. Collection method: clinical testing. Allele origin: germline.

Blueprint Genetics
Classification: Uncertain significance. Last evaluated: 2024-10-03. Review status: criteria provided, single submitter. Criteria: ACMG Guidelines, 2015. Collection method: clinical testing. Allele origin: germline.

GeneDx
Classification: Uncertain significance. Last evaluated: 2023-11-01. Review status: criteria provided, single submitter. Criteria: GeneDx Variant Classification Process June 2021. Collection method: clinical testing. Allele origin: germline. Affected: yes.
Comment: Not observed at significant frequency in large population cohorts (gnomAD); In silico analysis supports that this missense variant has a deleterious effect on protein structure/function; Has not been previously published as pathogenic or benign to our knowledge

Institute for Clinical Genetics, University Hospital TU Dresden, University Hospital TU Dresden
Classification: Uncertain significance. Last evaluated: 2021-11-03. Review status: criteria provided, single submitter. Criteria: ACMG Guidelines, 2015. Collection method: clinical testing. Allele origin: germline.

ARUP Laboratories, Molecular Genetics and Genomics, ARUP Laboratories
Classification: Uncertain significance. Last evaluated: 2019-09-28. Review status: criteria provided, single submitter. Criteria: ARUP Molecular Germline Variant Investigation Process. Collection method: clinical testing. Allele origin: germline.
Comment: The POLD1 c.2954G>C; p.Arg985Pro variant (rs749159160), to our knowledge, is not reported in the medical literature but is reported in ClinVar (Variation ID: 408108). This variant is only observed on one allele in the Genome Aggregation Database, indicating it is not a common polymorphism. The arginine at codon 985 is weakly conserved, but computational analyses (SIFT, PolyPhen-2) predict that this variant may be deleterious. Due to limited information, the clinical significance of this variant is uncertain at this time.

Quest Diagnostics Nichols Institute San Juan Capistrano
Classification: Uncertain significance. Last evaluated: 2019-02-26. Review status: criteria provided, single submitter. Criteria: Quest Diagnostics criteria. Collection method: clinical testing. Allele origin: germline.

Laboratory for Molecular Medicine, Mass General Brigham Personalized Medicine
Classification: Uncertain significance. Last evaluated: 2017-07-18. Review status: criteria provided, single submitter. Criteria: LMM Criteria. Collection method: clinical testing. Allele origin: germline. Observed: 1 variant allele.
Comment: The p.Arg985Pro variant in POLD1 has not been previously reported in the literat ure in individuals with colorectal cancer but has been reported in ClinVar (Vari ation ID 408108). This variant was absent from large population studies. Computa tional prediction tools and conservation analysis suggest that the p.Arg985Pro v ariant may impact the protein, though this information is not predictive enough to determine pathogenicity. In summary, the clinical significance of the p.Arg98 5Pro variant is uncertain.